The following is an entry in ClinVar:

NM_005228.5(EGFR):c.25G>T (p.Ala9Ser)

Gene: EGFR (epidermal growth factor receptor; plus strand). Cytogenetic location: 7p11.2.
Variant type: single nucleotide variant.
Coding change: c.25G>T on transcript NM_005228.5 (MANE Select); coding-DNA position 25, G replaced by T.
Protein change: p.Ala9Ser; replaces alanine 9 with serine.
Molecular consequence: missense variant.
Genome position (GRCh38, 1-based): chr7:55,019,302, G>T. VCF-style: chr7-55019302-G-T. GRCh37 (hg19) VCF-style: chr7-55086995-G-T.
Other names: c.25G>T, p.Ala9Ser (NM_001346897.2, NM_001346898.2, NM_001346899.2 and 4 more transcripts); short protein forms A9S.
Identifiers: ClinVar variation 2044514 (VCV002044514.5), dbSNP rs2128853368, ClinGen allele CA367611202.

ClinVar aggregate classification (germline): Conflicting classifications of pathogenicity. Review status: criteria provided, conflicting classifications (1 of 4 stars). 2 submissions from 2 submitters: Uncertain significance (1); Likely benign (1). Last evaluated 2026-03-27.

Conditions:
EGFR-related lung cancer (EGFR). Identifiers: MedGen CN130014.
Hereditary cancer-predisposing syndrome. Also called: Neoplastic Syndromes, Hereditary; Tumor predisposition; Hereditary Cancer Syndrome; Hereditary neoplastic syndrome. Identifiers: Orphanet 140162, MedGen C0027672, MeSH D009386, MONDO:0015356.

Submissions (2):

Ambry Genetics
Classification: Likely benign for Hereditary cancer-predisposing syndrome. Last evaluated: 2026-03-27. Review status: criteria provided, single submitter. Criteria: Ambry Variant Classification Scheme 2023. Collection method: clinical testing. Allele origin: germline.

Labcorp Genetics (formerly Invitae), Labcorp
Classification: Uncertain significance for EGFR-related lung cancer. Last evaluated: 2022-01-11. Review status: criteria provided, single submitter. Criteria: Invitae Variant Classification Sherloc (09022015). Collection method: clinical testing. Allele origin: germline.
Comment: Algorithms developed to predict the effect of missense changes on protein structure and function (SIFT, PolyPhen-2, Align-GVGD) all suggest that this variant is likely to be tolerated. This sequence change replaces alanine, which is neutral and non-polar, with serine, which is neutral and polar, at codon 9 of the EGFR protein (p.Ala9Ser). This variant is not present in population databases (gnomAD no frequency). This variant has not been reported in the literature in individuals affected with EGFR-related conditions. Algorithms developed to predict the effect of sequence changes on RNA splicing suggest that this variant may create or strengthen a splice site. In summary, the available evidence is currently insufficient to determine the role of this variant in disease. Therefore, it has been classified as a Variant of Uncertain Significance.